The following is an entry in ClinVar:

ClinVar aggregate classification (germline): Uncertain significance (1 of 4 stars; one submission).

Submission:

GeneDx
Classification: Uncertain significance. Last evaluated: 2025-09-03. Review status: criteria provided, single submitter. Criteria: GeneDx Variant Classification Process June 2021. Collection method: clinical testing. Allele origin: germline. Affected: yes.
Comment: Not observed at significant frequency in large population cohorts (gnomAD); Has not been previously published as pathogenic or benign to our knowledge; In silico analysis is inconclusive as to whether the variant alters gene splicing. In the absence of RNA/functional studies, the actual effect of this sequence change is unknown.

NM_003070.5(SMARCA2):c.2035_2036+2del

Gene: SMARCA2 (SWI/SNF related BAF chromatin remodeling complex subunit ATPase 2; plus strand). Cytogenetic location: 9p24.3.
Variant type: Deletion.
Coding change: c.2035_2036+2del on transcript NM_003070.5 (MANE Select); coding-DNA position 2035 through the canonical splice donor site of the intron after coding-DNA position 2036, 4 bases deleted (GAGT; older notation c.2035_2036+2delGAGT).
Molecular consequence: splice donor variant.
Genome position (GRCh38, 1-based): chr9:2,076,328-2,076,331, GAGT deleted; deleting any 4 consecutive bases within chr9:2,076,327-2,076,331 gives the same sequence; the c. name uses the placement nearest the transcript's 3' end. VCF-style (leftmost placement, unchanged base first): chr9-2076326-TTGAG-T. GRCh37 (hg19) VCF-style: chr9-2076326-TTGAG-T.
Other names: c.2035_2036+2del (NM_139045.4, NM_001289397.2, NM_001289396.2).
Identifiers: ClinVar variation 4813249 (VCV004813249.1).
Genomic context (GRCh38, chr9:2,076,326, plus strand): 5'-AGAAAATACTCCTGGATCCAAATAGCGAAGAAGTTTCTGAGAAGGATGCTAAGCAGATCA[TTGAG>T]TATGTACTGCATTTTTCCCTTGGAAATGCATTGCATGAGGATGATGCTTAATGAATTTTC-3'